The following is an entry in ClinVar:

ClinVar aggregate classification (germline): Uncertain significance (1 of 4 stars; one submission).

gnomAD v4.1: 1 of 1,613,988 alleles (0.000062%); highest among the groups gnomAD compares: Non-Finnish European, 0.000085%; no homozygotes.

Submission:

Labcorp Genetics (formerly Invitae), Labcorp
Classification: Uncertain significance. Last evaluated: 2024-04-05. Review status: criteria provided, single submitter. Criteria: Invitae Variant Classification Sherloc (09022015). Collection method: clinical testing. Allele origin: germline.
Comment: This sequence change replaces arginine, which is basic and polar, with lysine, which is basic and polar, at codon 732 of the SETBP1 protein (p.Arg732Lys). This variant is present in population databases (rs761682660, gnomAD 0.0009%). This variant has not been reported in the literature in individuals affected with SETBP1-related conditions. Advanced modeling of protein sequence and biophysical properties (such as structural, functional, and spatial information, amino acid conservation, physicochemical variation, residue mobility, and thermodynamic stability) performed at Invitae indicates that this missense variant is not expected to disrupt SETBP1 protein function with a negative predictive value of 80%. In summary, the available evidence is currently insufficient to determine the role of this variant in disease. Therefore, it has been classified as a Variant of Uncertain Significance.

NM_015559.3(SETBP1):c.2195G>A (p.Arg732Lys)

Gene: SETBP1 (SET binding protein 1; plus strand). Cytogenetic location: 18q12.3.
Variant type: single nucleotide variant.
Coding change: c.2195G>A on transcript NM_015559.3 (MANE Select); coding-DNA position 2195, G replaced by A.
Protein change: p.Arg732Lys; replaces arginine 732 with lysine.
Molecular consequence: missense variant.
Genome position (GRCh38, 1-based): chr18:44,951,535, G>A. VCF-style: chr18-44951535-G-A. GRCh37 (hg19) VCF-style: chr18-42531500-G-A.
Other names: c.2195G>A, p.Arg732Lys (NM_001379141.1, NM_001379142.1, NM_001410862.1); short protein forms R732K.
Identifiers: ClinVar variation 3666040 (VCV003666040.2).